The following is an entry in ClinVar:

ClinVar aggregate classification (germline): Likely pathogenic (1 of 4 stars; one submission).

Conditions:
Agenesis of the corpus callosum with peripheral neuropathy (ACCPN). Also called: CHARLEVOIX DISEASE; POLYNEUROPATHY, SENSORIMOTOR, WITH OR WITHOUT AGENESIS OF THE CORPUS CALLOSUM; HMSN/ACC; Hereditary Motor and Sensory Neuropathy with Agenesis of the Corpus Callosum. Identifiers: Orphanet 1496, MedGen C0795950, MONDO:0000902, OMIM 218000. Disease mechanism: loss of function.

Submission:

Myriad Genetics, Inc.
Classification: Likely pathogenic for Agenesis of the corpus callosum with peripheral neuropathy. Last evaluated: 2022-03-06. Review status: criteria provided, single submitter. Criteria: Myriad Women's Health Autosomal Recessive and X-Linked Classification Criteria (2021). Collection method: clinical testing. Allele origin: unknown.
Comment: NM_133647.1(SLC12A6):c.1997T>A(L666*) is expected to be pathogenic in the context of Andermann syndrome. This variant is predicted to lead to an abnormal or absent protein product due to the creation of a premature termination codon in SLC12A6, a gene where loss-of-function variants are known to be pathogenic. Please note: this variant was assessed in the context of healthy population screening.

NM_001365088.1(SLC12A6):c.1997T>A (p.Leu666Ter)

Gene: SLC12A6 (solute carrier family 12 member 6; minus strand). Cytogenetic location: 15q14.
Variant type: single nucleotide variant.
Coding change: c.1997T>A on transcript NM_001365088.1 (MANE Select); coding-DNA position 1997, T replaced by A.
Protein change: p.Leu666Ter; replaces leucine 666 with a stop codon.
Molecular consequence: nonsense.
Genome position (GRCh38, 1-based): chr15:34,244,019, A>T on the plus strand (T>A on the coding strand, the complement: SLC12A6 is on the minus strand). VCF-style: chr15-34244019-A-T. GRCh37 (hg19) VCF-style: chr15-34536220-A-T.
Other names: c.1820T>A, p.Leu607Ter (NM_001042494.2, NM_001042495.2); c.1970T>A, p.Leu657Ter (NM_001042496.2); c.1952T>A, p.Leu651Ter (NM_001042497.2); c.1844T>A, p.Leu615Ter (NM_005135.2); c.1997T>A, p.Leu666Ter (NM_133647.2); short protein forms L607*, L615*, L651*, L657*, L666*.
Identifiers: ClinVar variation 1725067 (VCV001725067.2), dbSNP rs1182209513, ClinGen allele CA391620560.